The following is an entry in ClinVar:

NM_006031.6(PCNT):c.2842G>A (p.Glu948Lys)

Gene: PCNT (pericentrin; plus strand). Cytogenetic location: 21q22.3.
Variant type: single nucleotide variant.
Coding change: c.2842G>A on transcript NM_006031.6 (MANE Select); coding-DNA position 2842, G replaced by A.
Protein change: p.Glu948Lys; replaces glutamic acid 948 with lysine.
Molecular consequence: missense variant.
Genome position (GRCh38, 1-based): chr21:46,366,816, G>A. VCF-style: chr21-46366816-G-A. GRCh37 (hg19) VCF-style: chr21-47786731-G-A.
Other names: c.2488G>A, p.Glu830Lys (NM_001315529.2); short protein forms E830K, E948K.
Identifiers: ClinVar variation 897305 (VCV000897305.6), dbSNP rs752300035, ClinGen allele CA10079108.

ClinVar aggregate classification (germline): Uncertain significance. Review status: criteria provided, multiple submitters, no conflicts (2 of 4 stars). 3 submissions from 3 submitters: Uncertain significance (2). 1 of the submissions does not count toward it. Last evaluated 2024-06-02.

Conditions:
Microcephalic osteodysplastic primordial dwarfism type II (MOPD2). Also called: Microcephalic osteodysplastic primordial dwarfism with tooth abnormalities; MOPD II; OSTEODYSPLASTIC PRIMORDIAL DWARFISM, TYPE II. Identifiers: Orphanet 2637, MedGen C0432246, MONDO:0008872, OMIM 210720.
PCNT-related disorder. Also called: PCNT-related condition.
Inborn genetic diseases. Identifiers: MedGen C0950123, MeSH D030342.

Allele frequency attached by ClinVar (database versions not stated): gnomAD exomes below 0.00001 and 0.00001; ExAC 0.00001; gnomAD 0.00001; TOPMed 0.00001.
gnomAD v4.1: 10 of 1,613,762 alleles (0.00062%); highest among the groups gnomAD compares: Admixed American, 0.0017%; no homozygotes.

Submissions (3):

Ambry Genetics
Classification: Uncertain significance for Inborn genetic diseases. Last evaluated: 2024-06-02. Review status: criteria provided, single submitter. Criteria: Ambry Variant Classification Scheme 2023. Collection method: clinical testing. Allele origin: germline.

Illumina Laboratory Services, Illumina
Classification: Uncertain significance for Microcephalic osteodysplastic primordial dwarfism type II. Last evaluated: 2018-01-13. Review status: criteria provided, single submitter. Criteria: ICSL Variant Classification Criteria 13 December 2019. Collection method: clinical testing. Allele origin: germline.

PreventionGenetics, part of Exact Sciences
Classification: Uncertain significance for PCNT-related condition. Last evaluated: 2024-08-19. Review status: no assertion criteria provided. Collection method: clinical testing. Allele origin: germline. Not counted in ClinVar's aggregate classification.
Comment: The PCNT c.2842G>A variant is predicted to result in the amino acid substitution p.Glu948Lys. To our knowledge, this variant has not been reported in the literature. This variant is reported in 0.0029% of alleles in individuals of Latino descent in gnomAD. At this time, the clinical significance of this variant is uncertain due to the absence of conclusive functional and genetic evidence.